The following is an entry in ClinVar:

NM_001378454.1(ALMS1):c.11669-1G>A

Gene: ALMS1 (ALMS1 centrosome and basal body associated protein; plus strand). Cytogenetic location: 2p13.1.
Variant type: single nucleotide variant.
Coding change: c.11669-1G>A on transcript NM_001378454.1 (MANE Select); the canonical splice acceptor site of the intron before coding-DNA position 11669, G replaced by A.
Molecular consequence: splice acceptor variant.
Genome position (GRCh38, 1-based): chr2:73,600,677, G>A. VCF-style: chr2-73600677-G-A. GRCh37 (hg19) VCF-style: chr2-73827804-G-A.
Other names: c.11672-1G>A (NM_015120.4); c.11669-1G>A (NM_015120.4).
Identifiers: ClinVar variation 552775 (VCV000552775.6), dbSNP rs750737346, ClinGen allele CA347264141.

ClinVar aggregate classification (germline): Pathogenic. Review status: criteria provided, multiple submitters, no conflicts (2 of 4 stars). 3 submissions from 3 submitters: Pathogenic (2). 1 of the submissions does not count toward it. Last evaluated 2025-01-15.

Conditions:
Alstrom syndrome (ALMS). Identifiers: Orphanet 64, MedGen C0268425, MONDO:0008763, OMIM 203800.

Allele frequency attached by ClinVar (database versions not stated): gnomAD 0.00001; TOPMed 0.00001.

Submissions (3):

Labcorp Genetics (formerly Invitae), Labcorp
Classification: Pathogenic for Alstrom syndrome. Last evaluated: 2025-01-15. Review status: criteria provided, single submitter. Criteria: Invitae Variant Classification Sherloc (09022015). Collection method: clinical testing. Allele origin: germline.
Comment: This sequence change affects an acceptor splice site in intron 17 of the ALMS1 gene. It is expected to disrupt RNA splicing. Variants that disrupt the donor or acceptor splice site typically lead to a loss of protein function (PMID: 16199547), and loss-of-function variants in ALMS1 are known to be pathogenic (PMID: 17594715). This variant is present in population databases (no rsID available, gnomAD 0.007%). Disruption of this splice site has been observed in individuals with clinical features of Alstrom syndrome (PMID: 29715191; internal data). ClinVar contains an entry for this variant (Variation ID: 552775). Algorithms developed to predict the effect of sequence changes on RNA splicing suggest that this variant may disrupt the consensus splice site. For these reasons, this variant has been classified as Pathogenic.

Institute of Human Genetics, University of Leipzig Medical Center
Classification: Pathogenic for Alstrom syndrome. Last evaluated: 2024-03-11. Review status: criteria provided, single submitter. Criteria: ACMG Guidelines, 2015. Collection method: clinical testing. Allele origin: paternal. Inheritance: Autosomal recessive inheritance. Affected: yes.
Comment: Criteria applied: PVS1,PM3,PM2_SUP,PP4; Identified as compund heterozygous with NM_001378454.1:c.10480C>T

Counsyl
Classification: Likely pathogenic for Alstrom syndrome. Last evaluated: 2017-07-06. Review status: no assertion criteria provided. Collection method: clinical testing. Allele origin: unknown. Not counted in ClinVar's aggregate classification.

Literature cited by the submitters: PubMed 16199547 (cited by Labcorp Genetics (formerly Invitae), Labcorp); PubMed 17594715 (cited by Labcorp Genetics (formerly Invitae), Labcorp); PubMed 29715191 (cited by Labcorp Genetics (formerly Invitae), Labcorp).